The following is an entry in ClinVar:

ClinVar aggregate classification (germline): Conflicting classifications of pathogenicity. Review status: criteria provided, conflicting classifications (1 of 4 stars). 5 submissions from 5 submitters: Uncertain significance (3); Likely benign (1). 1 of the submissions does not count toward it. Last evaluated 2026-01-25.

Conditions:
LAMA2-related disorder. Also called: LAMA2-related disorders; LAMA2-related condition.
LAMA2-related muscular dystrophy (LAMA2-RD). Also called: Laminin alpha 2-related dystrophy. Identifiers: MedGen C5679788, MONDO:0100228.

Allele frequency attached by ClinVar (database versions not stated): gnomAD exomes 0.00009 and 0.00019; ExAC 0.00023; 1000 Genomes Project 30x 0.00078; gnomAD 0.00086 and 0.00090; 1000 Genomes Project 0.00100; ESP Exome Variant Server 0.00100; TOPMed 0.00107.
gnomAD v4.1: 259 of 1,613,896 alleles (0.016%); highest among the groups gnomAD compares: African/African-American, 0.33%; 1 homozygote.

Submissions (5):

Labcorp Genetics (formerly Invitae), Labcorp
Classification: Likely benign for LAMA2-related muscular dystrophy. Last evaluated: 2026-01-25. Review status: criteria provided, single submitter. Criteria: Invitae Variant Classification Sherloc (09022015). Collection method: clinical testing. Allele origin: germline.

Revvity Omics, Revvity
Classification: Uncertain significance. Last evaluated: 2025-04-21. Review status: criteria provided, single submitter. Criteria: ACMG Guidelines, 2015. Collection method: clinical testing. Allele origin: germline.

Blueprint Genetics
Classification: Uncertain significance. Last evaluated: 2024-08-15. Review status: criteria provided, single submitter. Criteria: ACMG Guidelines, 2015. Collection method: clinical testing. Allele origin: germline.

Genetic Services Laboratory, University of Chicago
Classification: Uncertain significance. Last evaluated: 2015-05-01. Review status: criteria provided, single submitter. Criteria: ACMG Guidelines, 2015. Collection method: clinical testing. Allele origin: germline.

PreventionGenetics, part of Exact Sciences
Classification: Likely benign for LAMA2-related condition. Last evaluated: 2022-03-10. Review status: no assertion criteria provided. Collection method: clinical testing. Allele origin: germline. Not counted in ClinVar's aggregate classification.
Comment: This variant is classified as likely benign based on ACMG/AMP sequence variant interpretation guidelines (Richards et al. 2015 PMID: 25741868, with internal and published modifications).

NM_000426.4(LAMA2):c.5021G>A (p.Arg1674Lys)

Gene: LAMA2 (laminin subunit alpha 2; plus strand). Cytogenetic location: 6q22.33.
Variant type: single nucleotide variant.
Coding change: c.5021G>A on transcript NM_000426.4 (MANE Select); coding-DNA position 5021, G replaced by A.
Protein change: p.Arg1674Lys; replaces arginine 1674 with lysine.
Molecular consequence: missense variant.
Genome position (GRCh38, 1-based): chr6:129,383,183, G>A. VCF-style: chr6-129383183-G-A. GRCh37 (hg19) VCF-style: chr6-129704328-G-A.
Other names: c.5021G>A, p.Arg1674Lys (NM_001079823.2); short protein forms R1674K.
Identifiers: ClinVar variation 211353 (VCV000211353.22), dbSNP rs143333246, ClinGen allele CA205986.